The following is an entry in ClinVar:

NM_013275.6(ANKRD11):c.6177C>T (p.Pro2059=)

Gene: ANKRD11 (ankyrin repeat domain 11; minus strand). Cytogenetic location: 16q24.3.
Variant type: single nucleotide variant.
Coding change: c.6177C>T on transcript NM_013275.6 (MANE Select); coding-DNA position 6177, C replaced by T.
Protein change: p.Pro2059=; no amino-acid change (proline 2059 retained).
Molecular consequence: synonymous variant.
Genome position (GRCh38, 1-based): chr16:89,280,365, G>A on the plus strand (C>T on the coding strand, the complement: ANKRD11 is on the minus strand). VCF-style: chr16-89280365-G-A. GRCh37 (hg19) VCF-style: chr16-89346773-G-A.
Other names: c.6177C>T, p.Pro2059= (NM_001256182.2, NM_001256183.2).
Identifiers: ClinVar variation 3250948 (VCV003250948.20), dbSNP rs748478065.
Genomic context (GRCh38, chr16:89,280,365, plus strand): 5'-CACGTCCAGCGGGGCTTCCGGAAGTGACTTGCAGTTGCTGAAGAAGGACTCCAGCCCGGA[G>A]GGAGGGGCGTAGGGAGCCGCCTCTGAGGTGGAGATGGCGGCGGGGACGGCGTCCACTCCG-3'
Protein context (NP_037407.4, residues 2049-2069): STSEAAPYAP[Pro2059=]SGLESFFSNC

ClinVar aggregate classification (germline): Likely benign. Review status: criteria provided, multiple submitters, no conflicts (2 of 4 stars). 2 submissions from 2 submitters: Likely benign (2). Last evaluated 2024-07-01.

Conditions:
KBG syndrome (KBGS). Also called: ANKRD11-Related KBG Syndrome. Identifiers: Orphanet 2332, MedGen C0220687, MONDO:0007846, OMIM 148050.

Allele frequency attached by ClinVar (database versions not stated): gnomAD exomes 0.00001; TOPMed 0.00002; gnomAD 0.00003.
gnomAD v4.1: 25 of 1,568,658 alleles (0.0016%); highest among the groups gnomAD compares: East Asian, 0.025%; no homozygotes.

Submissions (2):

CeGaT Center for Human Genetics Tuebingen
Classification: Likely benign. Last evaluated: 2024-07-01. Review status: criteria provided, single submitter. Criteria: CeGaT Center For Human Genetics Tuebingen Variant Classification Criteria Version 2. Collection method: clinical testing. Allele origin: germline. Affected: yes. Observed: 1 variant allele.
Comment: ANKRD11: BP4, BP7

Labcorp Genetics (formerly Invitae), Labcorp
Classification: Likely benign for KBG syndrome. Last evaluated: 2024-06-20. Review status: criteria provided, single submitter. Criteria: Invitae Variant Classification Sherloc (09022015). Collection method: clinical testing. Allele origin: germline.